The following is an entry in ClinVar:

ClinVar aggregate classification (germline): Conflicting classifications of pathogenicity. Review status: criteria provided, conflicting classifications (1 of 4 stars). 7 submissions from 7 submitters: Uncertain significance (1); Likely benign (3). 3 of the submissions do not count toward it. Last evaluated 2026-04-15.

Conditions:
NOTCH2-related disorder. Also called: NOTCH2-related condition.
Hajdu-Cheney syndrome (HJCYS). Also called: Acroosteolysis dominant type; ACROOSTEOLYSIS WITH OSTEOPOROSIS AND CHANGES IN SKULL AND MANDIBLE; SERPENTINE FIBULA-POLYCYSTIC KIDNEY SYNDROME. Identifiers: Orphanet 955, MedGen C0917715, MONDO:0007057, OMIM 102500.

Allele frequency attached by ClinVar (database versions not stated): 1000 Genomes Project 0.00020; 1000 Genomes Project 30x 0.00031; gnomAD exomes 0.00046 and 0.00082; gnomAD 0.00051 and 0.00052; ExAC 0.00057; TOPMed 0.00063; ESP Exome Variant Server 0.00100.
gnomAD v4.1: 1,261 of 1,595,122 alleles (0.079%); highest among the groups gnomAD compares: Non-Finnish European, 0.1%; 2 homozygotes.

Submissions (7):

Women's Health and Genetics/Laboratory Corporation of America, LabCorp
Classification: Likely benign. Last evaluated: 2026-04-15. Review status: criteria provided, single submitter. Criteria: LabCorp Variant Classification Summary - May 2015. Collection method: clinical testing. Allele origin: germline.

Labcorp Genetics (formerly Invitae), Labcorp
Classification: Likely benign for Hajdu-Cheney syndrome. Last evaluated: 2025-12-16. Review status: criteria provided, single submitter. Criteria: Invitae Variant Classification Sherloc (09022015). Collection method: clinical testing. Allele origin: germline.

Blueprint Genetics
Classification: Likely benign. Last evaluated: 2024-11-04. Review status: criteria provided, single submitter. Criteria: ACMG Guidelines, 2015. Collection method: clinical testing. Allele origin: germline.

Eurofins Ntd Llc (ga)
Classification: Uncertain significance. Last evaluated: 2018-09-17. Review status: criteria provided, single submitter. Criteria: EGL ClinVar v180209 classification definitions. Collection method: clinical testing. Allele origin: germline. Observed: 4 variant alleles, 4 heterozygotes.

PreventionGenetics, part of Exact Sciences
Classification: Likely benign for NOTCH2-related condition. Last evaluated: 2019-11-06. Review status: no assertion criteria provided. Collection method: clinical testing. Allele origin: germline. Not counted in ClinVar's aggregate classification.
Comment: This variant is classified as likely benign based on ACMG/AMP sequence variant interpretation guidelines (Richards et al. 2015 PMID: 25741868, with internal and published modifications).

Clinical Genetics DNA and cytogenetics Diagnostics Lab, Erasmus MC, Erasmus Medical Center
Classification: Likely benign. Review status: no assertion criteria provided. Collection method: clinical testing. Allele origin: germline. Affected: yes. Study: VKGL Data-share Consensus. Not counted in ClinVar's aggregate classification.

Genome Diagnostics Laboratory, University Medical Center Utrecht
Classification: Likely benign. Review status: no assertion criteria provided. Collection method: clinical testing. Allele origin: germline. Affected: yes. Study: VKGL Data-share Consensus. Not counted in ClinVar's aggregate classification.

NM_024408.4(NOTCH2):c.1567+8C>T

Gene: NOTCH2 (notch receptor 2; minus strand). Cytogenetic location: 1p12.
Variant type: single nucleotide variant.
Coding change: c.1567+8C>T on transcript NM_024408.4 (MANE Select); 8 bases into the intron after coding-DNA position 1567, C replaced by T.
Molecular consequence: intron variant.
Genome position (GRCh38, 1-based): chr1:119,966,368, G>A on the plus strand (C>T on the coding strand, the complement: NOTCH2 is on the minus strand). VCF-style: chr1-119966368-G-A. GRCh37 (hg19) VCF-style: chr1-120508991-G-A.
Other names: c.1567+8C>T (NM_001200001.2).
Identifiers: ClinVar variation 497431 (VCV000497431.21), dbSNP rs372367275, ClinGen allele CA1040523.